The following is an entry in ClinVar:

ClinVar aggregate classification (germline): Likely pathogenic (1 of 4 stars; one submission).

Conditions:
Congenital sideroblastic anemia-B-cell immunodeficiency-periodic fever-developmental delay syndrome. Also called: Sideroblastic anemia with B-cell immunodeficiency, periodic fevers, and developmental delay. Identifiers: Orphanet 369861, MedGen C4015172, MONDO:0014487, OMIM 616084.

Allele frequency attached by ClinVar (database versions not stated): TOPMed below 0.00001.

Submission:

Labcorp Genetics (formerly Invitae), Labcorp
Classification: Likely pathogenic for Congenital sideroblastic anemia-B-cell immunodeficiency-periodic fever-developmental delay syndrome. Last evaluated: 2023-07-29. Review status: criteria provided, single submitter. Criteria: Invitae Variant Classification Sherloc (09022015). Collection method: clinical testing. Allele origin: germline.
Comment: This variant is not present in population databases (gnomAD no frequency). This sequence change affects a donor splice site in intron 3 of the TRNT1 gene. It is expected to disrupt RNA splicing. Variants that disrupt the donor or acceptor splice site typically lead to a loss of protein function (PMID: 16199547), and loss-of-function variants in TRNT1 are known to be pathogenic (PMID: 25193871). This variant has not been reported in the literature in individuals affected with TRNT1-related conditions. In summary, the currently available evidence indicates that the variant is pathogenic, but additional data are needed to prove that conclusively. Therefore, this variant has been classified as Likely Pathogenic. Algorithms developed to predict the effect of sequence changes on RNA splicing suggest that this variant may disrupt the consensus splice site.

Literature cited by the submitters: PubMed 16199547; PubMed 25193871.

NM_182916.3(TRNT1):c.342+1G>T

Gene: TRNT1 (tRNA nucleotidyl transferase 1; plus strand). Cytogenetic location: 3p26.2.
Variant type: single nucleotide variant.
Coding change: c.342+1G>T on transcript NM_182916.3 (MANE Select); the canonical splice donor site of the intron after coding-DNA position 342, G replaced by T.
Molecular consequence: splice donor variant.
Genome position (GRCh38, 1-based): chr3:3,137,454, G>T. VCF-style: chr3-3137454-G-T. GRCh37 (hg19) VCF-style: chr3-3179138-G-T.
Other names: c.342+1G>T (NM_001367321.1, NM_001367323.1, NM_001367322.1 and 1 more transcripts).
Identifiers: ClinVar variation 2814286 (VCV002814286.3), dbSNP rs946602400, ClinGen allele CA68726871.